The following is an entry in ClinVar:

NM_002432.3(MNDA):c.344C>T (p.Ala115Val)

Gene: MNDA (myeloid cell nuclear differentiation antigen; plus strand). Cytogenetic location: 1q23.1.
Variant type: single nucleotide variant.
Coding change: c.344C>T on transcript NM_002432.3 (MANE Select); coding-DNA position 344, C replaced by T.
Protein change: p.Ala115Val; replaces alanine 115 with valine.
Molecular consequence: missense variant.
Genome position (GRCh38, 1-based): chr1:158,843,357, C>T. VCF-style: chr1-158843357-C-T. GRCh37 (hg19) VCF-style: chr1-158813147-C-T.
Other names: short protein forms A115V.
Identifiers: ClinVar variation 1731542 (VCV001731542.2), dbSNP rs2526079223, ClinGen allele CA343038683.

ClinVar aggregate classification (germline): Uncertain significance (1 of 4 stars; one submission).

Allele frequency attached by ClinVar (database versions not stated): gnomAD exomes 0.00001.

Submission:

Ambry Genetics
Classification: Uncertain significance. Last evaluated: 2022-03-20. Review status: criteria provided, single submitter. Criteria: Ambry Variant Classification Scheme 2023. Collection method: clinical testing. Allele origin: germline.
Comment: The p.A115V variant (also known as c.344C>T), located in coding exon 2 of the MNDA gene, results from a C to T substitution at nucleotide position 344. The alanine at codon 115 is replaced by valine, an amino acid with similar properties. This amino acid position is conserved. In addition, this alteration is predicted to be tolerated by in silico analysis. Since supporting evidence is limited at this time, the clinical significance of this alteration remains unclear.